The following is an entry in ClinVar:

ClinVar aggregate classification (germline): Uncertain significance (1 of 4 stars; one submission).

gnomAD v4.1: 3 of 1,432,954 alleles (0.00021%); highest among the groups gnomAD compares: East Asian, 0.0029%; no homozygotes.

Submission:

Labcorp Genetics (formerly Invitae), Labcorp
Classification: Uncertain significance. Last evaluated: 2022-07-14. Review status: criteria provided, single submitter. Criteria: Invitae Variant Classification Sherloc (09022015). Collection method: clinical testing. Allele origin: germline.
Comment: In summary, the available evidence is currently insufficient to determine the role of this variant in disease. Therefore, it has been classified as a Variant of Uncertain Significance. Experimental studies and prediction algorithms are not available or were not evaluated, and the functional significance of this variant is currently unknown. This variant has not been reported in the literature in individuals affected with C2CD3-related conditions. This variant is not present in population databases (gnomAD no frequency). This sequence change replaces leucine, which is neutral and non-polar, with phenylalanine, which is neutral and non-polar, at codon 2331 of the C2CD3 protein (p.Leu2331Phe). The C2CD3 gene has multiple clinically relevant transcripts. This variant occurs in alternate transcript NM_001286577.1, and corresponds to NM_015531.5:c.*21142C>T in the primary transcript.

NM_001286577.2(C2CD3):c.6991C>T (p.Leu2331Phe)

Gene: C2CD3 (C2 domain containing 3 centriole elongation regulator; minus strand). Cytogenetic location: 11q13.4.
Variant type: single nucleotide variant.
Coding change: c.6991C>T on transcript NM_001286577.2 (MANE Select); coding-DNA position 6991, C replaced by T.
Protein change: p.Leu2331Phe; replaces leucine 2331 with phenylalanine.
Molecular consequence: missense variant.
Genome position (GRCh38, 1-based): chr11:74,013,456, G>A on the plus strand (C>T on the coding strand, the complement: C2CD3 is on the minus strand). VCF-style: chr11-74013456-G-A. GRCh37 (hg19) VCF-style: chr11-73724501-G-A.
Other names: short protein forms L2331F.
Identifiers: ClinVar variation 1956674 (VCV001956674.5), dbSNP rs534735031, ClinGen allele CA381817548.